The following is an entry in ClinVar:

ClinVar aggregate classification (germline): Likely benign (0 of 4 stars; one submission).

Conditions:
MIR17HG-related disorder. Also called: MIR17HG-related condition.

Allele frequency attached by ClinVar (database versions not stated): 1000 Genomes Project 0.00040; gnomAD 0.00021; 1000 Genomes Project 30x 0.00047; TOPMed 0.00053.

Submission:

PreventionGenetics, part of Exact Sciences
Classification: Likely benign for MIR17HG-related condition. Last evaluated: 2021-12-30. Review status: no assertion criteria provided. Collection method: clinical testing. Allele origin: germline.
Comment: This variant is classified as likely benign based on ACMG/AMP sequence variant interpretation guidelines (Richards et al. 2015 PMID: 25741868, with internal and published modifications).

NR_027349.1(MIR17HG):n.213+123A>G

Gene: MIR17HG (miR-17-92a-1 cluster host gene; plus strand). Cytogenetic location: 13q31.3.
Variant type: single nucleotide variant.
Molecular consequence: non-coding transcript variant (on NR_027350.2).
Genome position: GRCh38 VCF-style: chr13-91349893-A-G. GRCh37 (hg19) VCF-style: chr13-92002147-A-G.
Identifiers: ClinVar variation 3036056 (VCV003036056.2), dbSNP rs181587881, ClinGen allele CA254717459.